The following is an entry in ClinVar:

NM_001042492.3(NF1):c.1721+4_1721+9del

Gene: NF1 (neurofibromin 1; plus strand). Cytogenetic location: 17q11.2.
Variant type: Deletion.
Coding change: c.1721+4_1721+9del on transcript NM_001042492.3 (MANE Select); bases 4 to 9 of the intron after coding-DNA position 1721, 6 bases deleted (TATGTA; older notation c.1721+4_1721+9delTATGTA).
Molecular consequence: splice donor variant. On other transcripts: inframe deletion (1).
Genome position (GRCh38, 1-based): chr17:31,221,933-31,221,938, TATGTA deleted; deleting any 6 consecutive bases within chr17:31,221,930-31,221,938 gives the same sequence; the c. name uses the placement nearest the transcript's 3' end. VCF-style (leftmost placement, unchanged base first): chr17-31221929-GGTATAT-G. GRCh37 (hg19) VCF-style: chr17-29548947-GGTATAT-G.
Other names: c.1721+4_1721+9delTATGTA (NM_000267.3); c.1725_1730del, p.Met576_Tyr577del (NM_001128147.3); c.1721+4_1721+9del (NM_000267.4).
Identifiers: ClinVar variation 3879100 (VCV003879100.1).

ClinVar aggregate classification (germline): Uncertain significance (1 of 4 stars; one submission).

Conditions:
Cardiovascular phenotype. Identifiers: MedGen CN230736.
Hereditary cancer-predisposing syndrome. Also called: Tumor predisposition; Neoplastic Syndromes, Hereditary; Hereditary Cancer Syndrome; Hereditary neoplastic syndrome. Identifiers: Orphanet 140162, MedGen C0027672, MeSH D009386, MONDO:0015356.

Submission:

Ambry Genetics
Classification: Uncertain significance for Cardiovascular phenotype; Hereditary cancer-predisposing syndrome. Last evaluated: 2025-03-06. Review status: criteria provided, single submitter. Criteria: Ambry Variant Classification Scheme 2023. Collection method: clinical testing. Allele origin: germline.
Comment: The c.1721+4_1721+9delTATGTA intronic variant begins four nucleotides after coding exon 15 in the NF1 gene. This variant results from a deletion of six nucleotides at positions c.1721+4 to c.1721+9. This nucleotide region is conserved in available vertebrate species. In silico splice site analysis predicts that this alteration will not have any significant effect on splicing. Based on the available evidence, the clinical significance of this variant remains unclear.